The following is an entry in ClinVar:

ClinVar aggregate classification (germline): Uncertain significance (1 of 4 stars; one submission).

Submission:

Labcorp Genetics (formerly Invitae), Labcorp
Classification: Uncertain significance. Last evaluated: 2023-10-03. Review status: criteria provided, single submitter. Criteria: Invitae Variant Classification Sherloc (09022015). Collection method: clinical testing. Allele origin: germline.
Comment: This sequence change replaces histidine, which is basic and polar, with aspartic acid, which is acidic and polar, at codon 784 of the ARFGEF2 protein (p.His784Asp). This variant is not present in population databases (gnomAD no frequency). This variant has not been reported in the literature in individuals affected with ARFGEF2-related conditions. ClinVar contains an entry for this variant (Variation ID: 2014310). An algorithm developed to predict the effect of missense changes on protein structure and function (PolyPhen-2) suggests that this variant is likely to be disruptive. In summary, the available evidence is currently insufficient to determine the role of this variant in disease. Therefore, it has been classified as a Variant of Uncertain Significance.

NM_006420.3(ARFGEF2):c.2350C>G (p.His784Asp)

Gene: ARFGEF2 (ARF guanine nucleotide exchange factor 2; plus strand). Cytogenetic location: 20q13.13.
Variant type: single nucleotide variant.
Coding change: c.2350C>G on transcript NM_006420.3 (MANE Select); coding-DNA position 2350, C replaced by G.
Protein change: p.His784Asp; replaces histidine 784 with aspartic acid.
Molecular consequence: missense variant.
Genome position (GRCh38, 1-based): chr20:48,988,377, C>G. VCF-style: chr20-48988377-C-G. GRCh37 (hg19) VCF-style: chr20-47604914-C-G.
Other names: c.2347C>G, p.His783Asp (NM_001410846.1); short protein forms H783D, H784D.
Identifiers: ClinVar variation 2014310 (VCV002014310.4), dbSNP rs2515537420, ClinGen allele CA409305309.